The following is an entry in ClinVar:

ClinVar aggregate classification (germline): Uncertain significance. Review status: criteria provided, multiple submitters, no conflicts (2 of 4 stars). 2 submissions from 2 submitters: Uncertain significance (2). Last evaluated 2023-05-04.

Conditions:
RYR1-related disorder. Also called: RYR1-related disorders; RYR1-related condition. Identifiers: MedGen CN239331.
Malignant hyperthermia, susceptibility to, 1 (MHS1). Also called: RYR1-Related Malignant Hyperthermia Susceptibility; Anesthesia related hyperthermia; Malignant hyperpyrexia; Fulminating hyperpyrexia; Pharmacogenic myopathy; Malignant hyperthermia suceptibility 1. Identifiers: Orphanet 423, MedGen C2930980, MONDO:0007783, OMIM 145600.

Submissions (2):

All of Us Research Program, National Institutes of Health
Classification: Uncertain significance for Malignant hyperthermia, susceptibility to, 1. Last evaluated: 2023-05-04. Review status: criteria provided, single submitter. Criteria: ACMG Guidelines, 2015. Collection method: clinical testing. Allele origin: germline. Inheritance: Autosomal dominant inheritance. Observed: 1 variant allele, 1 heterozygote.
Comment: This missense variant replaces threonine with alanine at codon 2585 of the RYR1 protein. Computational prediction suggests that this variant may have deleterious impact on protein structure and function (internally defined REVEL score threshold >= 0.7, PMID: 27666373). To our knowledge, functional studies have not been reported for this variant. This variant has not been reported in individuals affected with RYR1-related disorders in the literature. This variant has not been identified in the general population by the Genome Aggregation Database (gnomAD). The available evidence is insufficient to determine the role of this variant in disease conclusively. Therefore, this variant is classified as a Variant of Uncertain Significance.

This study involves interpretation of variants in research participants for the purpose of population health screening. Participant phenotype was not available at the time of variant classification. Additional details can be found in publication PMID: 35346344, PMCID: PMC8962531

Labcorp Genetics (formerly Invitae), Labcorp
Classification: Uncertain significance for RYR1-related disorder. Last evaluated: 2022-08-22. Review status: criteria provided, single submitter. Criteria: Invitae Variant Classification Sherloc (09022015). Collection method: clinical testing. Allele origin: germline.
Comment: Advanced modeling of protein sequence and biophysical properties (such as structural, functional, and spatial information, amino acid conservation, physicochemical variation, residue mobility, and thermodynamic stability) performed at Invitae indicates that this missense variant is not expected to disrupt RYR1 protein function. In summary, the available evidence is currently insufficient to determine the role of this variant in disease. Therefore, it has been classified as a Variant of Uncertain Significance. This variant has not been reported in the literature in individuals affected with RYR1-related conditions. This variant is not present in population databases (gnomAD no frequency). This sequence change replaces threonine, which is neutral and polar, with alanine, which is neutral and non-polar, at codon 2585 of the RYR1 protein (p.Thr2585Ala).

NM_000540.3(RYR1):c.7753A>G (p.Thr2585Ala)

Gene: RYR1 (ryanodine receptor 1; plus strand). Cytogenetic location: 19q13.2.
Variant type: single nucleotide variant.
Coding change: c.7753A>G on transcript NM_000540.3 (MANE Select); coding-DNA position 7753, A replaced by G.
Protein change: p.Thr2585Ala; replaces threonine 2585 with alanine.
Molecular consequence: missense variant.
Genome position (GRCh38, 1-based): chr19:38,502,645, A>G. VCF-style: chr19-38502645-A-G. GRCh37 (hg19) VCF-style: chr19-38993285-A-G.
Other names: c.7753A>G, p.Thr2585Ala (NM_001042723.2); short protein forms T2585A.
Identifiers: ClinVar variation 2002502 (VCV002002502.5), dbSNP rs1600832534, ClinGen allele CA405671940.